The following is an entry in ClinVar:

NM_021625.5(TRPV4):c.1215G>C (p.Lys405Asn)

Gene: TRPV4 (transient receptor potential cation channel subfamily V member 4; minus strand). Cytogenetic location: 12q24.11.
Variant type: single nucleotide variant.
Coding change: c.1215G>C on transcript NM_021625.5 (MANE Select); coding-DNA position 1215, G replaced by C.
Protein change: p.Lys405Asn; replaces lysine 405 with asparagine.
Molecular consequence: missense variant. On other transcripts: intron variant (2).
Genome position (GRCh38, 1-based): chr12:109,796,642, C>G on the plus strand (G>C on the coding strand, the complement: TRPV4 is on the minus strand). VCF-style: chr12-109796642-C-G. GRCh37 (hg19) VCF-style: chr12-110234447-C-G.
Other names: c.1011+1972G>C (NM_001177433.1); c.1152+1972G>C (NM_147204.2); c.1074G>C, p.Lys358Asn (NM_001177428.2); c.1113G>C, p.Lys371Asn (NM_001177431.2); short protein forms K358N, K371N, K405N.
Identifiers: ClinVar variation 1705578 (VCV001705578.1), dbSNP rs377712684, ClinGen allele CA386653814.

ClinVar aggregate classification (germline): Uncertain significance (1 of 4 stars; one submission).

Conditions:
Parastremmatic dwarfism. Identifiers: Orphanet 2646, MedGen C1868616, MONDO:0008196, OMIM 168400.

Submission:

3billion
Classification: Uncertain significance for Parastremmatic dwarfism. Last evaluated: 2022-09-01. Review status: criteria provided, single submitter. Criteria: ACMG Guidelines, 2015. Collection method: clinical testing. Allele origin: germline. Affected: yes. Observed: 1 heterozygote.
Comment: The variant is not observed in the gnomAD v2.1.1 dataset. Missense changes are a common disease-causing mechanism. In silico tool predictions suggest damaging effect of the variant on gene or gene product (REVEL: 0.73; 3Cnet: 0.33). Therefore, this variant is classified as uncertain significance according to the recommendation of ACMG/AMP guideline.